The following is an entry in ClinVar:

ClinVar aggregate classification (germline): Likely pathogenic (1 of 4 stars; one submission).

Conditions:
Retinitis pigmentosa 12 (RP12). Also called: RP WITH OR WITHOUT PPRPE; RP WITH OR WITHOUT PRESERVED PARAARTERIOLE RETINAL PIGMENT EPITHELIUM; RETINITIS PIGMENTOSA WITH OR WITHOUT PARAARTERIOLAR PRESERVATION OF RETINAL PIGMENT EPITHELIUM. Identifiers: Orphanet 791, MedGen C1838647, MONDO:0010818, OMIM 600105.
Leber congenital amaurosis 8 (LCA8). Identifiers: Orphanet 65, MedGen C3151202, MONDO:0013453, OMIM 613835.

Submission:

Labcorp Genetics (formerly Invitae), Labcorp
Classification: Likely pathogenic for Leber congenital amaurosis 8; Retinitis pigmentosa 12. Last evaluated: 2020-07-09. Review status: criteria provided, single submitter. Criteria: Invitae Variant Classification Sherloc (09022015). Collection method: clinical testing. Allele origin: germline.
Comment: This variant is an in-frame deletion of the genomic region encompassing exon(s) five of the CRB1 gene. It preserves the integrity of the reading frame. This variant has not been reported in the literature in individuals with CRB1-related conditions. This variant disrupts the p.Cys383 amino acid residue in CRB1. Other variant(s) that disrupt this residue have been determined to be pathogenic (PMID: 23449718, 11231775). This suggests that this residue is clinically significant, and that variants that disrupt this residue are likely to be disease-causing. In summary, the currently available evidence indicates that the variant is pathogenic, but additional data are needed to prove that conclusively. Therefore, this variant has been classified as Likely Pathogenic.

Literature cited by the submitters: PubMed 23449718; PubMed 11231775.

NC_000001.10:g.(?_197325951)_(197326153_?)del

Gene: CRB1 (crumbs cell polarity complex component 1; plus strand). Cytogenetic location: 1q31.3.
Variant type: Deletion.
Identifiers: ClinVar variation 1067652 (VCV001067652.1).